The following is an entry in ClinVar:

NM_152383.5(DIS3L2):c.2233G>A (p.Ala745Thr)

Gene: DIS3L2 (DIS3 like 3'-5' exoribonuclease 2; plus strand). Cytogenetic location: 2q37.1.
Variant type: single nucleotide variant.
Coding change: c.2233G>A on transcript NM_152383.5 (MANE Select); coding-DNA position 2233, G replaced by A.
Protein change: p.Ala745Thr; replaces alanine 745 with threonine.
Molecular consequence: missense variant. On other transcripts: non-coding transcript variant (2), intron variant (1).
Genome position (GRCh38, 1-based): chr2:232,334,443, G>A. VCF-style: chr2-232334443-G-A. GRCh37 (hg19) VCF-style: chr2-233199153-G-A.
Other names: c.1582-8902G>A (NM_001257281.2); short protein forms A745T.
Identifiers: ClinVar variation 463096 (VCV000463096.6), dbSNP rs758837060, ClinGen allele CA2164460.

ClinVar aggregate classification (germline): Uncertain significance (1 of 4 stars; one submission).

Conditions:
Perlman syndrome (PRLMNS). Identifiers: Orphanet 2849, MedGen C0796113, MONDO:0009965, OMIM 267000.

Allele frequency attached by ClinVar (database versions not stated): ExAC 0.00001; gnomAD 0.00001; gnomAD exomes 0.00001; TOPMed 0.00002.
gnomAD v4.1: 15 of 1,613,798 alleles (0.00093%); highest among the groups gnomAD compares: Middle Eastern, 0.016%; no homozygotes.

Submission:

Labcorp Genetics (formerly Invitae), Labcorp
Classification: Uncertain significance for Perlman syndrome. Last evaluated: 2025-09-02. Review status: criteria provided, single submitter. Criteria: Invitae Variant Classification Sherloc (09022015). Collection method: clinical testing. Allele origin: germline.
Comment: This sequence change replaces alanine, which is neutral and non-polar, with threonine, which is neutral and polar, at codon 745 of the DIS3L2 protein (p.Ala745Thr). This variant is present in population databases (rs758837060, gnomAD 0.003%). This variant has not been reported in the literature in individuals affected with DIS3L2-related conditions. ClinVar contains an entry for this variant (Variation ID: 463096). Invitae Evidence Modeling of protein sequence and biophysical properties (such as structural, functional, and spatial information, amino acid conservation, physicochemical variation, residue mobility, and thermodynamic stability) indicates that this missense variant is not expected to disrupt DIS3L2 protein function with a negative predictive value of 80%. In summary, the available evidence is currently insufficient to determine the role of this variant in disease. Therefore, it has been classified as a Variant of Uncertain Significance.